The following is an entry in ClinVar:

ClinVar aggregate classification (germline): Uncertain significance (1 of 4 stars; one submission).

Conditions:
Genitopatellar syndrome (GTPTS). Also called: Genitopatellar syndrome (GPS); ABSENT PATELLAE, SCROTAL HYPOPLASIA, RENAL ANOMALIES, FACIAL DYSMORPHISM, AND MENTAL RETARDATION. Identifiers: Orphanet 85201, MedGen C1853566, MONDO:0011640, OMIM 606170.

Submission:

Labcorp Genetics (formerly Invitae), Labcorp
Classification: Uncertain significance for Genitopatellar syndrome. Last evaluated: 2020-12-19. Review status: criteria provided, single submitter. Criteria: Invitae Variant Classification Sherloc (09022015). Collection method: clinical testing. Allele origin: germline.
Comment: Algorithms developed to predict the effect of missense changes on protein structure and function are either unavailable or do not agree on the potential impact of this missense change (SIFT: "Deleterious"; PolyPhen-2: "Possibly Damaging"; Align-GVGD: "Class C0"). This variant has not been reported in the literature in individuals with KAT6B-related conditions. This variant is not present in population databases (ExAC no frequency). This sequence change replaces histidine with tyrosine at codon 388 of the KAT6B protein (p.His388Tyr). The histidine residue is moderately conserved and there is a moderate physicochemical difference between histidine and tyrosine. In summary, the available evidence is currently insufficient to determine the role of this variant in disease. Therefore, it has been classified as a Variant of Uncertain Significance.

NM_012330.4(KAT6B):c.1162C>T (p.His388Tyr)

Gene: KAT6B (lysine acetyltransferase 6B; plus strand). Cytogenetic location: 10q22.2.
Variant type: single nucleotide variant.
Coding change: c.1162C>T on transcript NM_012330.4 (MANE Select); coding-DNA position 1162, C replaced by T.
Protein change: p.His388Tyr; replaces histidine 388 with tyrosine.
Molecular consequence: missense variant. On other transcripts: intron variant (11).
Genome position (GRCh38, 1-based): chr10:74,975,499, C>T. VCF-style: chr10-74975499-C-T. GRCh37 (hg19) VCF-style: chr10-76735257-C-T.
Other names: c.1162C>T, p.His388Tyr (NM_001256468.2, NM_001370136.1, NM_001370137.1 and 1 more transcripts); c.1117+45C>T (NM_001370139.1, NM_001370140.1, NM_001370141.1 and 3 more transcripts); c.846+5724C>T (NM_001370133.1); c.193-3725C>T (NM_001370134.1); c.929-1817C>T (NM_001370143.1, NM_001370144.1); c.193-13520C>T (NM_001370135.1); short protein forms H388Y.
Identifiers: ClinVar variation 1501040 (VCV001501040.8), dbSNP rs2133720225, ClinGen allele CA377284799.